The following is an entry in ClinVar:

ClinVar aggregate classification (germline): Likely pathogenic (1 of 4 stars; one submission).

Conditions:
Immunodeficiency 23 (IMD23). Also called: IMMUNODEFICIENCY WITH HYPER IgE AND COGNITIVE IMPAIRMENT; IMMUNODEFICIENCY-VASCULITIS-MYOCLONUS SYNDROME. Identifiers: Orphanet 443811, MedGen C4014371, MONDO:0014353, OMIM 615816.

Submission:

OLLIN Analises Genomicas, OLLIN
Classification: Likely pathogenic for Immunodeficiency 23. Last evaluated: 2026-08-06. Review status: criteria provided, single submitter. Criteria: ACMG Guidelines 2015 PMID 25741868. Collection method: clinical testing. Allele origin: germline. Inheritance: Autosomal recessive inheritance.
Comment: This frameshift variant, located in exon 11 (of 13), is absent from gnomAD and ClinVar and has not been identified in the literature. This variant causes a frameshift and introduces a premature stop codon, which is predicted to result in either a truncated protein or degradation of the mRNA via nonsense-mediated decay (NMD). According to the currently available evidence, this variant has been classified as likely pathogenic (PVS1, PM2_P).

NM_015599.3(PGM3):c.1260_1261del (p.Ile420_Ser421insTer)

Gene: PGM3 (phosphoglucomutase 3; minus strand). Cytogenetic location: 6q14.1.
Variant type: Deletion.
Coding change: c.1260_1261del on transcript NM_015599.3 (MANE Select); coding-DNA positions 1260 to 1261, 2 bases deleted (TT; older notation c.1260_1261delTT).
Protein change: p.Ile420_Ser421insTer.
Molecular consequence: frameshift variant. On other transcripts: non-coding transcript variant (1), intron variant (1).
Genome position (GRCh38, 1-based): chr6:83,172,041-83,172,042, AA deleted on the plus strand (TT on the coding strand, the reverse complement: PGM3 is on the minus strand); deleting any 2 consecutive bases within chr6:83,172,041-83,172,043 gives the same sequence; the c. name uses the placement nearest the transcript's 3' end. VCF-style (leftmost placement, unchanged base first): chr6-83172040-GAA-G. GRCh37 (hg19) VCF-style: chr6-83881759-GAA-G.
Other names: c.1344_1345del, p.Ile448_Ser449insTer (NM_001199917.2, NM_001367287.1); c.1017_1018del, p.Ile339_Ser340insTer (NM_001199918.2); c.1260_1261del, p.Ile420_Ser421insTer (NM_001199919.2); c.1243-1564_1243-1563del (NM_001367286.1).
Identifiers: ClinVar variation 5003126 (VCV005003126.1).